The following is an entry in ClinVar:

NM_000540.3(RYR1):c.2997C>T (p.Arg999=)

Gene: RYR1 (ryanodine receptor 1; plus strand). Cytogenetic location: 19q13.2.
Variant type: single nucleotide variant.
Coding change: c.2997C>T on transcript NM_000540.3 (MANE Select); coding-DNA position 2997, C replaced by T.
Protein change: p.Arg999=; no amino-acid change (arginine 999 retained).
Molecular consequence: synonymous variant.
Genome position (GRCh38, 1-based): chr19:38,466,217, C>T. VCF-style: chr19-38466217-C-T. GRCh37 (hg19) VCF-style: chr19-38956857-C-T.
Other names: c.2997C>T, p.Arg999= (NM_001042723.2).
Identifiers: ClinVar variation 724699 (VCV000724699.11), dbSNP rs371603625, ClinGen allele CA064299.
Genomic context (GRCh38, chr19:38,466,217, plus strand): 5'-GCAGACGACACTGGTGGACCGTCTGGCAGAAAATGGGCACAACGTGTGGGCCCGAGACCG[C>T]GTGGGCCAGGGCTGGAGCTACAGCGCAGTGCAGGACATCCCAGCGCGCCGAAACCCTCGG-3'
Protein context (NP_000531.2, residues 989-1009): ENGHNVWARD[Arg999=]VGQGWSYSAV

ClinVar aggregate classification (germline): Likely benign. Review status: criteria provided, multiple submitters, no conflicts (2 of 4 stars). 4 submissions from 4 submitters: Likely benign (4). Last evaluated 2025-08-31.

Conditions:
Malignant hyperthermia, susceptibility to, 1 (MHS1). Also called: RYR1-Related Malignant Hyperthermia Susceptibility; Anesthesia related hyperthermia; Malignant hyperpyrexia; Fulminating hyperpyrexia; Pharmacogenic myopathy; Malignant hyperthermia suceptibility 1. Identifiers: Orphanet 423, MedGen C2930980, MONDO:0007783, OMIM 145600.
RYR1-related disorder. Also called: RYR1-related condition; RYR1-related disorders. Identifiers: MedGen CN239331.

Allele frequency attached by ClinVar (database versions not stated): gnomAD 0.00001; ExAC 0.00002; gnomAD exomes 0.00002 and 0.00006; TOPMed 0.00002; ESP Exome Variant Server 0.00008.
gnomAD v4.1: 82 of 1,613,324 alleles (0.0051%); highest among the groups gnomAD compares: Non-Finnish European, 0.0065%; no homozygotes.

Submissions (4):

PreventionGenetics, part of Exact Sciences
Classification: Likely benign for RYR1-related condition. Last evaluated: 2025-08-31. Review status: criteria provided, single submitter. Criteria: ACMG Guidelines, 2015. Collection method: clinical testing. Allele origin: germline.
Comment: This variant is classified as likely benign based on ACMG/AMP sequence variant interpretation guidelines (Richards et al. 2015 PMID: 25741868, with internal and published modifications).

Labcorp Genetics (formerly Invitae), Labcorp
Classification: Likely benign for RYR1-related disorder. Last evaluated: 2025-07-09. Review status: criteria provided, single submitter. Criteria: Invitae Variant Classification Sherloc (09022015). Collection method: clinical testing. Allele origin: germline.

All of Us Research Program, National Institutes of Health
Classification: Likely benign for Malignant hyperthermia, susceptibility to, 1. Last evaluated: 2024-01-11. Review status: criteria provided, single submitter. Criteria: ACMG Guidelines, 2015. Collection method: clinical testing. Allele origin: germline. Inheritance: Autosomal dominant inheritance. Observed: 9 variant alleles, 9 heterozygotes.
Comment: This study involves interpretation of variants in research participants for the purpose of population health screening. Participant phenotype was not available at the time of variant classification. Additional details can be found in publication PMID: 35346344, PMCID: PMC8962531

Color Diagnostics, LLC DBA Color Health
Classification: Likely benign for Malignant hyperthermia, susceptibility to, 1. Last evaluated: 2022-12-07. Review status: criteria provided, single submitter. Criteria: ACMG Guidelines, 2015. Collection method: clinical testing. Allele origin: germline.